The following is an entry in ClinVar:

NM_001142800.2(EYS):c.4964T>C (p.Leu1655Ser)

Gene: EYS (EGF-like photoreceptor maintenance factor; minus strand). Cytogenetic location: 6q12.
Variant type: single nucleotide variant.
Coding change: c.4964T>C on transcript NM_001142800.2 (MANE Select); coding-DNA position 4964, T replaced by C.
Protein change: p.Leu1655Ser; replaces leucine 1655 with serine.
Molecular consequence: missense variant.
Genome position (GRCh38, 1-based): chr6:64,590,903, A>G on the plus strand (T>C on the coding strand, the complement: EYS is on the minus strand). VCF-style: chr6-64590903-A-G. GRCh37 (hg19) VCF-style: chr6-65300796-A-G.
Other names: c.4964T>C, p.Leu1655Ser (NM_001292009.2); short protein forms L1655S.
Identifiers: ClinVar variation 966514 (VCV000966514.6), dbSNP rs765407986, ClinGen allele CA140340921.

ClinVar aggregate classification (germline): Uncertain significance. Review status: criteria provided, multiple submitters, no conflicts (2 of 4 stars). 4 submissions from 4 submitters: Uncertain significance (3). 1 of the submissions does not count toward it. Last evaluated 2024-03-15.

Conditions:
Retinitis pigmentosa 25 (RP25). Identifiers: Orphanet 791, MedGen C1864446, MONDO:0011272, OMIM 602772.
Inborn genetic diseases. Identifiers: MedGen C0950123, MeSH D030342.

Allele frequency attached by ClinVar (database versions not stated): TOPMed below 0.00001; gnomAD 0.00001; gnomAD exomes 0.00002 and 0.00006.
gnomAD v4.1: 82 of 1,550,478 alleles (0.0053%); highest among the groups gnomAD compares: Middle Eastern, 0.05%; no homozygotes.

Submissions (4):

Ambry Genetics
Classification: Uncertain significance for Inborn genetic diseases. Last evaluated: 2024-03-15. Review status: criteria provided, single submitter. Criteria: Ambry Variant Classification Scheme 2023. Collection method: clinical testing. Allele origin: germline.

Blueprint Genetics
Classification: Uncertain significance. Last evaluated: 2022-04-12. Review status: criteria provided, single submitter. Criteria: ACMG Guidelines, 2015. Collection method: clinical testing. Allele origin: germline.

Labcorp Genetics (formerly Invitae), Labcorp
Classification: Uncertain significance. Last evaluated: 2021-12-17. Review status: criteria provided, single submitter. Criteria: Invitae Variant Classification Sherloc (09022015). Collection method: clinical testing. Allele origin: germline.
Comment: This sequence change replaces leucine, which is neutral and non-polar, with serine, which is neutral and polar, at codon 1655 of the EYS protein (p.Leu1655Ser). This variant is present in population databases (rs765407986, gnomAD 0.004%). This variant has not been reported in the literature in individuals affected with EYS-related conditions. ClinVar contains an entry for this variant (Variation ID: 966514). Algorithms developed to predict the effect of missense changes on protein structure and function are either unavailable or do not agree on the potential impact of this missense change (SIFT: "Tolerated"; PolyPhen-2: "Probably Damaging"; Align-GVGD: "Class C0"). In summary, the available evidence is currently insufficient to determine the role of this variant in disease. Therefore, it has been classified as a Variant of Uncertain Significance.

Natera, Inc.
Classification: Uncertain significance for Retinitis pigmentosa type 25. Last evaluated: 2020-08-31. Review status: no assertion criteria provided. Collection method: clinical testing. Allele origin: germline. Not counted in ClinVar's aggregate classification.